The following is an entry in ClinVar:

NM_001378452.1(ITPR1):c.508C>T (p.Arg170Ter)

Gene: ITPR1 (inositol 1,4,5-trisphosphate receptor type 1; plus strand). Cytogenetic location: 3p26.1.
Variant type: single nucleotide variant.
Coding change: c.508C>T on transcript NM_001378452.1 (MANE Select); coding-DNA position 508, C replaced by T.
Protein change: p.Arg170Ter; replaces arginine 170 with a stop codon.
Molecular consequence: nonsense.
Genome position (GRCh38, 1-based): chr3:4,642,234, C>T. VCF-style: chr3-4642234-C-T. GRCh37 (hg19) VCF-style: chr3-4683918-C-T.
Other names: c.508C>T, p.Arg170Ter (NM_001099952.4, NM_001168272.2, NM_002222.7); short protein forms R170*.
Identifiers: ClinVar variation 345564 (VCV000345564.10), dbSNP rs886058579, ClinGen allele CA10618961.

ClinVar aggregate classification (germline): Pathogenic (1 of 4 stars; one submission).

gnomAD v4.1: 5 of 1,578,824 alleles (0.00032%); highest among the groups gnomAD compares: East Asian, 0.0023%; no homozygotes.

Submission:

Labcorp Genetics (formerly Invitae), Labcorp
Classification: Pathogenic. Last evaluated: 2024-02-10. Review status: criteria provided, single submitter. Criteria: Invitae Variant Classification Sherloc (09022015). Collection method: clinical testing. Allele origin: germline.
Comment: This sequence change creates a premature translational stop signal (p.Arg170*) in the ITPR1 gene. It is expected to result in an absent or disrupted protein product. Loss-of-function variants in ITPR1 are known to be pathogenic (PMID: 27108797). This variant is not present in population databases (gnomAD no frequency). This variant has not been reported in the literature in individuals affected with ITPR1-related conditions. ClinVar contains an entry for this variant (Variation ID: 345564). For these reasons, this variant has been classified as Pathogenic.

Literature cited by the submitters: PubMed 27108797.